The following is an entry in ClinVar:

ClinVar aggregate classification (germline): Uncertain significance (1 of 4 stars; one submission).

Conditions:
DICER1-related tumor predisposition. Also called: DICER1-related pleuropulmonary blastoma cancer predisposition syndrome; DICER1 syndrome. Identifiers: Orphanet 284343, MedGen C3839822, MONDO:0100216.

Submission:

Labcorp Genetics (formerly Invitae), Labcorp
Classification: Uncertain significance for DICER1-related tumor predisposition. Last evaluated: 2022-12-09. Review status: criteria provided, single submitter. Criteria: Invitae Variant Classification Sherloc (09022015). Collection method: clinical testing. Allele origin: germline.
Comment: In summary, the available evidence is currently insufficient to determine the role of this variant in disease. Therefore, it has been classified as a Variant of Uncertain Significance. Advanced modeling of protein sequence and biophysical properties (such as structural, functional, and spatial information, amino acid conservation, physicochemical variation, residue mobility, and thermodynamic stability) performed at Invitae indicates that this missense variant is not expected to disrupt DICER1 protein function. This variant has not been reported in the literature in individuals affected with DICER1-related conditions. This variant is not present in population databases (gnomAD no frequency). This sequence change replaces tyrosine, which is neutral and polar, with histidine, which is basic and polar, at codon 1345 of the DICER1 protein (p.Tyr1345His).

NM_177438.3(DICER1):c.4033T>C (p.Tyr1345His)

Gene: DICER1 (dicer 1, ribonuclease III; minus strand). Cytogenetic location: 14q32.13.
Variant type: single nucleotide variant.
Coding change: c.4033T>C on transcript NM_177438.3 (MANE Select); coding-DNA position 4033, T replaced by C.
Protein change: p.Tyr1345His; replaces tyrosine 1345 with histidine.
Molecular consequence: missense variant. On other transcripts: non-coding transcript variant (6).
Genome position (GRCh38, 1-based): chr14:95,103,363, A>G on the plus strand (T>C on the coding strand, the complement: DICER1 is on the minus strand). VCF-style: chr14-95103363-A-G. GRCh37 (hg19) VCF-style: chr14-95569700-A-G.
Other names: c.3466T>C, p.Tyr1156His (NM_001395691.1); c.4033T>C, p.Tyr1345His (NM_001395692.1, NM_001395693.1, NM_001395694.1 and 13 more transcripts); c.3628T>C, p.Tyr1210His (NM_001395696.1, NM_001395690.1, NM_001395687.1 and 2 more transcripts); c.2350T>C, p.Tyr784His (NM_001395697.1); c.3751T>C, p.Tyr1251His (NM_001395686.1); short protein forms Y1156H, Y1345H, Y1251H, Y1210H, Y784H.
Identifiers: ClinVar variation 2819712 (VCV002819712.3), dbSNP rs2542683751, ClinGen allele CA390872915.